The following is an entry in ClinVar:

NM_153704.6(TMEM67):c.1827del (p.Phe609fs)

Gene: TMEM67 (transmembrane protein 67; plus strand). Cytogenetic location: 8q22.1.
Variant type: Deletion.
Coding change: c.1827del on transcript NM_153704.6 (MANE Select); coding-DNA position 1827, one base deleted (T; older notation c.1827delT).
Protein change: p.Phe609fs; shifts the reading frame from phenylalanine 609.
Molecular consequence: frameshift variant. On other transcripts: non-coding transcript variant (1).
Genome position (GRCh38, 1-based): chr8:93,795,954, T deleted; the last of 4 consecutive T bases (chr8:93,795,951-93,795,954); deleting any one gives the same sequence. VCF-style (leftmost placement, unchanged base first): chr8-93795950-GT-G. GRCh37 (hg19) VCF-style: chr8-94808178-GT-G.
Other names: c.1584del, p.Phe528fs (NM_001142301.1); short protein forms F609fs, F528fs.
Identifiers: ClinVar variation 5001774 (VCV005001774.1).
Genomic context (GRCh38, chr8:93,795,950, plus strand): 5'-TTTTATTATAGGCACAGAAGTCTGTGTCTGTTTTGCTGCCAATGCCAATTCAGGAAGAAC[GT>G]TTTGTCACTTATGTTGGATGTGCCTTTGCTCTGAAGGTAAGTTTTAAAGGACAGGTTACC-3'

ClinVar aggregate classification (germline): Likely pathogenic (1 of 4 stars; one submission).

Conditions:
TMEM67-related disorder. Also called: TMEM67-related disorders; TMEM67-related condition. Identifiers: MedGen CN239423.

Submission:

PreventionGenetics, part of Exact Sciences
Classification: Likely pathogenic for TMEM67-related condition. Last evaluated: 2025-08-05. Review status: criteria provided, single submitter. Criteria: ACMG Guidelines, 2015. Collection method: clinical testing. Allele origin: germline.
Comment: The TMEM67 c.1827delT variant is predicted to result in a frameshift and premature protein termination (p.Phe609Leufs*11). To our knowledge, this variant has not been reported in the literature or in a large population database (gnomAD), indicating this variant is rare. Frameshift variants in TMEM67 are expected to be pathogenic. This variant is interpreted as likely pathogenic.